The following is an entry in ClinVar:

NM_001931.5(DLAT):c.476del (p.Ile159fs)

Gene: DLAT (dihydrolipoamide S-acetyltransferase; plus strand). Cytogenetic location: 11q23.1.
Variant type: Deletion.
Coding change: c.476del on transcript NM_001931.5 (MANE Select); coding-DNA position 476, one base deleted (T; older notation c.476delT).
Protein change: p.Ile159fs; shifts the reading frame from isoleucine 159.
Molecular consequence: frameshift variant. On other transcripts: non-coding transcript variant (1), intron variant (2).
Genome position (GRCh38, 1-based): chr11:112,028,609, T deleted. VCF-style (leftmost placement, unchanged base first): chr11-112028608-AT-A. GRCh37 (hg19) VCF-style: chr11-111899332-AT-A.
Other names: c.476del, p.Ile159fs (NM_001372031.1, NM_001372032.1, NM_001372033.1 and 3 more transcripts); c.443del, p.Ile148fs (NM_001372034.1); c.350del, p.Ile117fs (NM_001372036.1); c.308del, p.Ile103fs (NM_001372037.1); c.10del, p.Ser4fs (NM_001372042.1); c.381+2310del (NM_001372038.1); c.364+2327del (NM_001372040.1); short protein forms I103fs, I117fs, I148fs, I159fs, S4fs.
Identifiers: ClinVar variation 3234969 (VCV003234969.1), dbSNP rs2498425963, ClinGen allele CA2615978239.

ClinVar aggregate classification (germline): Likely pathogenic (1 of 4 stars; one submission).

Conditions:
Pyruvate dehydrogenase E2 deficiency (PDHDD). Also called: LACTIC ACIDEMIA DUE TO DEFECT OF E2 LIPOYL TRANSACETYLASE OF THE PYRUVATE DEHYDROGENASE COMPLEX; Dihydrolipoamide Acetyltransferase (E2) Deficiency. Identifiers: Orphanet 765, Orphanet 79244, MedGen C1855565, MONDO:0009502, OMIM 245348.

Allele frequency attached by ClinVar (database versions not stated): gnomAD exomes below 0.00001.

Submission:

Neuberg Centre For Genomic Medicine, NCGM
Classification: Likely pathogenic for Pyruvate dehydrogenase E2 deficiency. Review status: criteria provided, single submitter. Criteria: ACMG Guidelines, 2015. Collection method: clinical testing. Allele origin: germline. Inheritance: Autosomal recessive inheritance. Affected: yes.
Comment: The frameshift c.476delp.Ile159ThrfsTer72 variant in DLAT gene has not been reported previously as a pathogenic variant nor as a benign variant, to our knowledge. This variant is novel not in any individuals in gnomAD Exomes and 1000 Genomes. This variant is predicted to cause loss of normal protein function either through protein truncation or nonsense-mediated mRNA decay. Loss of function variants have been previously reported to be disease causing. For these reasons, this variant has been classified as Likely Pathogenic.